The following is an entry in ClinVar:

ClinVar aggregate classification (germline): Benign (1 of 4 stars; one submission).

Submission:

CeGaT Center for Human Genetics Tuebingen
Classification: Benign. Last evaluated: 2026-07-01. Review status: criteria provided, single submitter. Criteria: CeGaT Center For Human Genetics Tuebingen Variant Classification Criteria Version 2. Collection method: clinical testing. Allele origin: germline. Affected: yes. Observed: 19 variant alleles.
Comment: H4C5: BP4, BP7, BS1, BS2

NM_003545.4(H4C5):c.306C>A (p.Gly102=)

Gene: H4C5 (H4 clustered histone 5; plus strand). Cytogenetic location: 6p22.2.
Variant type: single nucleotide variant.
Coding change: c.306C>A on transcript NM_003545.4 (MANE Select); coding-DNA position 306, C replaced by A.
Protein change: p.Gly102=; no amino-acid change (glycine 102 retained).
Molecular consequence: synonymous variant.
Genome position (GRCh38, 1-based): chr6:26,204,950, C>A. VCF-style: chr6-26204950-C-A. GRCh37 (hg19) VCF-style: chr6-26205178-C-A.
Identifiers: ClinVar variation 3770495 (VCV003770495.13).